The following is an entry in ClinVar:

ClinVar aggregate classification (germline): Uncertain significance (1 of 4 stars; one submission).

Allele frequency attached by ClinVar (database versions not stated): gnomAD 0.00001; ExAC 0.00002; TOPMed 0.00002; gnomAD exomes 0.00004; ESP Exome Variant Server 0.00008.

Submission:

Labcorp Genetics (formerly Invitae), Labcorp
Classification: Uncertain significance. Last evaluated: 2022-06-14. Review status: criteria provided, single submitter. Criteria: Invitae Variant Classification Sherloc (09022015). Collection method: clinical testing. Allele origin: germline.
Comment: This sequence change replaces proline, which is neutral and non-polar, with serine, which is neutral and polar, at codon 130 of the MEOX1 protein (p.Pro130Ser). This variant is present in population databases (rs369514070, gnomAD 0.003%). This variant has not been reported in the literature in individuals affected with MEOX1-related conditions. Algorithms developed to predict the effect of missense changes on protein structure and function output the following: SIFT: "Tolerated"; PolyPhen-2: "Benign"; Align-GVGD: "Class C0". The serine amino acid residue is found in multiple mammalian species, which suggests that this missense change does not adversely affect protein function. In summary, the available evidence is currently insufficient to determine the role of this variant in disease. Therefore, it has been classified as a Variant of Uncertain Significance.

NM_004527.4(MEOX1):c.388C>T (p.Pro130Ser)

Gene: MEOX1 (mesenchyme homeobox 1; minus strand). Cytogenetic location: 17q21.31.
Variant type: single nucleotide variant.
Coding change: c.388C>T on transcript NM_004527.4 (MANE Select); coding-DNA position 388, C replaced by T.
Protein change: p.Pro130Ser; replaces proline 130 with serine.
Molecular consequence: missense variant.
Genome position (GRCh38, 1-based): chr17:43,661,147, G>A on the plus strand (C>T on the coding strand, the complement: MEOX1 is on the minus strand). VCF-style: chr17-43661147-G-A. GRCh37 (hg19) VCF-style: chr17-41738515-G-A.
Other names: c.43C>T, p.Pro15Ser (NM_001040002.2); c.388C>T, p.Pro130Ser (NM_013999.4); short protein forms P130S, P15S.
Identifiers: ClinVar variation 1912876 (VCV001912876.2), dbSNP rs369514070, ClinGen allele CA8592640.